The following is an entry in ClinVar:

NM_000368.5(TSC1):c.2681A>T (p.His894Leu)

Gene: TSC1 (TSC complex subunit 1; minus strand). Cytogenetic location: 9q34.13.
Variant type: single nucleotide variant.
Coding change: c.2681A>T on transcript NM_000368.5 (MANE Select); coding-DNA position 2681, A replaced by T.
Protein change: p.His894Leu; replaces histidine 894 with leucine.
Molecular consequence: missense variant. On other transcripts: non-coding transcript variant (5).
Genome position (GRCh38, 1-based): chr9:132,897,555, T>A on the plus strand (A>T on the coding strand, the complement: TSC1 is on the minus strand). VCF-style: chr9-132897555-T-A. GRCh37 (hg19) VCF-style: chr9-135772942-T-A.
Other names: c.2318A>T, p.His773Leu (NM_001406615.1, NM_001406616.1, NM_001406617.1 and 4 more transcripts); c.2636A>T, p.His879Leu (NM_001406608.1, NM_001406609.1); c.2528A>T, p.His843Leu (NM_001406610.1, NM_001162427.2); c.2525A>T, p.His842Leu (NM_001406611.1, NM_001406612.1); c.2483A>T, p.His828Leu (NM_001406613.1); c.2681A>T, p.His894Leu (NM_001406592.1, NM_001406593.1, NM_001406594.1 and 2 more transcripts); c.2678A>T, p.His893Leu (NM_001406597.1, NM_001406598.1, NM_001162426.2 and 2 more transcripts); c.2666A>T, p.His889Leu (NM_001406601.1, NM_001406602.1); and 8 more; short protein forms H842L, H880L, H893L, H894L, H576L, H577L, H828L, H843L.
Identifiers: ClinVar variation 3974541 (VCV003974541.1).

ClinVar aggregate classification (germline): Uncertain significance (1 of 4 stars; one submission).

Conditions:
Hereditary cancer-predisposing syndrome. Also called: Tumor predisposition; Hereditary neoplastic syndrome; Hereditary Cancer Syndrome; Neoplastic Syndromes, Hereditary. Identifiers: Orphanet 140162, MedGen C0027672, MeSH D009386, MONDO:0015356.

Submission:

Ambry Genetics
Classification: Uncertain significance for Hereditary cancer-predisposing syndrome. Last evaluated: 2025-03-24. Review status: criteria provided, single submitter. Criteria: Ambry Variant Classification Scheme 2023. Collection method: clinical testing. Allele origin: germline.
Comment: The p.H894L variant (also known as c.2681A>T), located in coding exon 19 of the TSC1 gene, results from an A to T substitution at nucleotide position 2681. The histidine at codon 894 is replaced by leucine, an amino acid with similar properties. This amino acid position is conserved. In addition, this alteration is predicted to be tolerated by in silico analysis. Based on the available evidence, the clinical significance of this variant remains unclear.